The following is an entry in ClinVar:

NM_203446.3(SYNJ1):c.2788_2793del (p.Leu930_Ile931del)

Gene: SYNJ1 (synaptojanin 1; minus strand). Cytogenetic location: 21q22.11.
Variant type: Deletion.
Coding change: c.2788_2793del on transcript NM_203446.3 (MANE Select); coding-DNA positions 2788 to 2793, 6 bases deleted (CTTATA; older notation c.2788_2793delCTTATA).
Protein change: p.Leu930_Ile931del.
Molecular consequence: inframe deletion. On other transcripts: inframe indel (2).
Genome position (GRCh38, 1-based): chr21:32,656,689-32,656,694, TATAAG deleted on the plus strand (CTTATA on the coding strand, the reverse complement: SYNJ1 is on the minus strand); deleting any 6 consecutive bases within chr21:32,656,689-32,656,699 gives the same sequence; the c. name uses the placement nearest the transcript's 3' end. VCF-style (leftmost placement, unchanged base first): chr21-32656688-TTATAAG-T. GRCh37 (hg19) VCF-style: chr21-34028998-TTATAAG-T.
Other names: c.2783_2788delTTATAC, p.Leu930_Ile931del (NM_001160302.2); c.2773_2778del, p.Leu925_Ile926del (NM_001160306.2); c.2900_2905delTTATAC, p.Leu969_Ile970del (NM_003895.4).
Identifiers: ClinVar variation 1509868 (VCV001509868.6), dbSNP rs747135111, ClinGen allele CA10003593.

ClinVar aggregate classification (germline): Uncertain significance (1 of 4 stars; one submission).

Conditions:
Developmental and epileptic encephalopathy, 53. Also called: Epileptic encephalopathy, early infantile, 53. Identifiers: MedGen C4479313, MONDO:0033362, OMIM 617389.
Early-onset Parkinson disease 20. Also called: PARKINSON DISEASE 20, AUTOSOMAL RECESSIVE EARLY-ONSET. Identifiers: Orphanet 391411, MedGen C3809824, MONDO:0014233, OMIM 615530.

Submission:

Labcorp Genetics (formerly Invitae), Labcorp
Classification: Uncertain significance for Developmental and epileptic encephalopathy, 53; Early-onset Parkinson disease 20. Last evaluated: 2021-07-14. Review status: criteria provided, single submitter. Criteria: Invitae Variant Classification Sherloc (09022015). Collection method: clinical testing. Allele origin: germline.
Comment: In summary, the available evidence is currently insufficient to determine the role of this variant in disease. Therefore, it has been classified as a Variant of Uncertain Significance. Experimental studies and prediction algorithms are not available or were not evaluated, and the functional significance of this variant is currently unknown. This variant has not been reported in the literature in individuals affected with SYNJ1-related conditions. This variant is present in population databases (rs747135111, ExAC 0.008%). This variant, c.2905_2910del, results in the deletion of 2 amino acid(s) of the SYNJ1 protein (p.Leu969_Ile970del), but otherwise preserves the integrity of the reading frame.